The following is an entry in ClinVar:

ClinVar aggregate classification (germline): Uncertain significance. Review status: criteria provided, multiple submitters, no conflicts (2 of 4 stars). 3 submissions from 3 submitters: Uncertain significance (3). Last evaluated 2024-07-23.

Conditions:
Cardiovascular phenotype. Identifiers: MedGen CN230736.
Hypertrophic cardiomyopathy 25 (CMH25). Also called: CARDIOMYOPATHY, FAMILIAL HYPERTROPHIC, 25. Identifiers: MedGen C4225408, MONDO:0011843, OMIM 607487.
Autosomal recessive limb-girdle muscular dystrophy type 2G (LGMDR7). Also called: MUSCULAR DYSTROPHY, LIMB-GIRDLE, AUTOSOMAL RECESSIVE 7; Telethoninopathy; Limb-girdle muscular dystrophy, type 2G. Identifiers: Orphanet 34514, MedGen C1866008, MONDO:0011170, OMIM 601954.
Primary familial hypertrophic cardiomyopathy (HCM). Identifiers: Orphanet 99739, MedGen C0949658, MeSH D024741, MONDO:0024573. Inheritance: Various modes of inheritance.

Allele frequency attached by ClinVar (database versions not stated): TOPMed below 0.00001.

Submissions (3):

Labcorp Genetics (formerly Invitae), Labcorp
Classification: Uncertain significance for Hypertrophic cardiomyopathy 25; Primary familial hypertrophic cardiomyopathy. Last evaluated: 2024-07-23. Review status: criteria provided, single submitter. Criteria: Invitae Variant Classification Sherloc (09022015). Collection method: clinical testing. Allele origin: germline.
Comment: This sequence change replaces serine, which is neutral and polar, with threonine, which is neutral and polar, at codon 157 of the TCAP protein (p.Ser157Thr). This variant is not present in population databases (gnomAD no frequency). This variant has not been reported in the literature in individuals affected with TCAP-related conditions. ClinVar contains an entry for this variant (Variation ID: 1742520). An algorithm developed to predict the effect of missense changes on protein structure and function (PolyPhen-2) suggests that this variant is likely to be disruptive. In summary, the available evidence is currently insufficient to determine the role of this variant in disease. Therefore, it has been classified as a Variant of Uncertain Significance.

Ambry Genetics
Classification: Uncertain significance for Cardiovascular phenotype. Last evaluated: 2024-06-15. Review status: criteria provided, single submitter. Criteria: Ambry Variant Classification Scheme 2023. Collection method: clinical testing. Allele origin: germline.
Comment: The p.S157T variant (also known as c.469T>A), located in coding exon 2 of the TCAP gene, results from a T to A substitution at nucleotide position 469. The serine at codon 157 is replaced by threonine, an amino acid with similar properties. This amino acid position is not well conserved in available vertebrate species, and threonine is the reference amino acid in other vertebrate species. In addition, the in silico prediction for this alteration is inconclusive. Since supporting evidence is limited at this time, the clinical significance of this alteration remains unclear.

Center for Genomics, Ann and Robert H. Lurie Children's Hospital of Chicago
Classification: Uncertain significance for Hypertrophic cardiomyopathy 25; Autosomal recessive limb-girdle muscular dystrophy type 2G. Review status: criteria provided, single submitter. Criteria: ACMG Guidelines, 2015. Collection method: clinical testing. Allele origin: germline.
Comment: TCAP NM_003673.3 exon 2 p.Ser157Thr (c.469T>A): This variant has not been reported in the literature and is not present in large control databases. Evolutionary conservation and computational predictive tools for this variant are unclear. In summary, data on this variant is insufficient for disease classification. Therefore, the clinical significance of this variant is uncertain.

NM_003673.4(TCAP):c.469T>A (p.Ser157Thr)

Gene: TCAP (titin-cap; plus strand). Cytogenetic location: 17q12.
Variant type: single nucleotide variant.
Coding change: c.469T>A on transcript NM_003673.4 (MANE Select); coding-DNA position 469, T replaced by A.
Protein change: p.Ser157Thr; replaces serine 157 with threonine.
Molecular consequence: missense variant.
Genome position (GRCh38, 1-based): chr17:39,666,074, T>A. VCF-style: chr17-39666074-T-A. GRCh37 (hg19) VCF-style: chr17-37822327-T-A.
Other names: short protein forms S157T.
Identifiers: ClinVar variation 1742520 (VCV001742520.7), dbSNP rs950261878, ClinGen allele CA290434229.
Genomic context (GRCh38, chr17:39,666,074, plus strand): 5'-ACAAAGCAGCTGCCCCCTGTGGTGCCTGTCAGCAAGCCCGGTGCACTTCGTCGCTCCCTG[T>A]CCCGCTCCATGTCCCAGGAAGCACAGAGAGGCTGAGAGGGACTGTGACTTGGGCTCCGCT-3'
Protein context (NP_003664.1, residues 147-167): SKPGALRRSL[Ser157Thr]RSMSQEAQRG